The following is an entry in ClinVar:

NM_006420.3(ARFGEF2):c.1060-42T>C

Gene: ARFGEF2 (ARF guanine nucleotide exchange factor 2; plus strand). Cytogenetic location: 20q13.13.
Variant type: single nucleotide variant.
Coding change: c.1060-42T>C on transcript NM_006420.3 (MANE Select); 42 bases into the intron before coding-DNA position 1060, T replaced by C.
Molecular consequence: intron variant.
Genome position (GRCh38, 1-based): chr20:48,969,105, T>C. VCF-style: chr20-48969105-T-C. GRCh37 (hg19) VCF-style: chr20-47585642-T-C.
Identifiers: ClinVar variation 670925 (VCV000670925.5), dbSNP rs3764683, ClinGen allele CA9898318.
Genomic context (GRCh38, chr20:48,969,105, plus strand): 5'-TGACCTCCTCGGCTCAGTGGATCCTCCTGCCTCAGCCTCTGGAGTAGCTGGGACTACAGG[T>C]GGGTGCCACCACACCCAGCTGATGTTTGTTTCTGATCCTAGGAATCGGATGCACAAGGAC-3'

ClinVar aggregate classification (germline): Benign. Review status: criteria provided, multiple submitters, no conflicts (2 of 4 stars). 3 submissions from 3 submitters: Benign (3). Last evaluated 2021-07-14.

Conditions:
Periventricular heterotopia with microcephaly, autosomal recessive (ARPHM). Also called: Periventricular heterotopia with microcephaly; PERIVENTRICULAR NODULAR HETEROTOPIA 2. Identifiers: Orphanet 2149, MedGen C1842563, MONDO:0011966, OMIM 608097.

Allele frequency attached by ClinVar (database versions not stated): gnomAD exomes 0.28740 and 0.33001; ESP Exome Variant Server 0.29648; gnomAD 0.31678 and 0.31988; ExAC 0.32200; TOPMed 0.33455; 1000 Genomes Project 0.37141; 1000 Genomes Project 30x 0.37305.
gnomAD v4.1: 466,729 of 1,603,704 alleles (29%); highest among the groups gnomAD compares: East Asian, 45%; 70,379 homozygotes.

Submissions (3):

Genome-Nilou Lab
Classification: Benign for Periventricular heterotopia with microcephaly, autosomal recessive. Last evaluated: 2021-07-14. Review status: criteria provided, single submitter. Criteria: ACMG Guidelines, 2015. Collection method: clinical testing. Allele origin: germline. Affected: no.

GeneDx
Classification: Benign. Last evaluated: 2018-06-14. Review status: criteria provided, single submitter. Criteria: GeneDx Variant Classification (06012015). Collection method: clinical testing. Allele origin: germline. Affected: yes.
Comment: This variant is considered likely benign or benign based on one or more of the following criteria: it is a conservative change, it occurs at a poorly conserved position in the protein, it is predicted to be benign by multiple in silico algorithms, and/or has population frequency not consistent with disease.

Breakthrough Genomics
Classification: Benign. Review status: criteria provided, single submitter. Criteria: ACMG Guidelines, 2015. Collection method: not provided. Allele origin: germline. Inheritance: Autosomal recessive inheritance. Affected: yes.